The following is an entry in ClinVar:

ClinVar aggregate classification (germline): Likely pathogenic (1 of 4 stars; one submission).

Conditions:
Hereditary cancer-predisposing syndrome. Also called: Tumor predisposition; Hereditary neoplastic syndrome; Hereditary Cancer Syndrome; Neoplastic Syndromes, Hereditary. Identifiers: Orphanet 140162, MedGen C0027672, MeSH D009386, MONDO:0015356.

Submission:

Ambry Genetics
Classification: Likely pathogenic for Hereditary cancer-predisposing syndrome. Last evaluated: 2026-03-09. Review status: criteria provided, single submitter. Criteria: Ambry Variant Classification Scheme 2023. Collection method: clinical testing. Allele origin: germline.
Comment: The c.7787A>T variant (also known as p.E2596V), located in coding exon 51 of the ATM gene, results from an A to T substitution at nucleotide position 7787. The glutamic acid at codon 2596 is replaced by valine, an amino acid with dissimilar properties. This nucleotide position is well conserved in available vertebrate species. In silico splice site analysis predicts that this alteration will weaken the native splice donor site. RNA studies have demonstrated that this variant results in abnormal splicing in the set of samples tested (Ambry internal data; Bueno-Mart&iacute;nez E et al. J Pathol 2022 Sep;258(1):83-101). This variant is considered to be rare based on population cohorts in the Genome Aggregation Database (gnomAD). Based on the majority of available evidence to date, this variant is likely to be pathogenic.

NM_000051.4(ATM):c.7787A>T (p.Glu2596Val)

Genes: ATM (ATM serine/threonine kinase; plus strand), C11orf65 (chromosome 11 open reading frame 65; minus strand). Cytogenetic location: 11q22.3.
Variant type: single nucleotide variant.
Coding change: c.7787A>T on transcript NM_000051.4 (MANE Select); coding-DNA position 7787, A replaced by T.
Protein change: p.Glu2596Val; replaces glutamic acid 2596 with valine.
Molecular consequence: missense variant. On other transcripts: intron variant (2).
Genome position (GRCh38, 1-based): chr11:108,332,036, A>T. VCF-style: chr11-108332036-A-T. GRCh37 (hg19) VCF-style: chr11-108202763-A-T.
Other names: c.7787A>T, p.Glu2596Val (NM_001351834.2); c.641-22965T>A (NM_001330368.2); c.*38+3184T>A (NM_001351110.2); short protein forms E2596V.
Identifiers: ClinVar variation 4827587 (VCV004827587.1).